The following is an entry in ClinVar:

NM_133642.5(LARGE1):c.691C>A (p.Leu231Ile)

Gene: LARGE1 (LARGE xylosyl- and glucuronyltransferase 1; minus strand). Cytogenetic location: 22q12.3.
Variant type: single nucleotide variant.
Coding change: c.691C>A on transcript NM_133642.5 (MANE Select); coding-DNA position 691, C replaced by A.
Protein change: p.Leu231Ile; replaces leucine 231 with isoleucine.
Molecular consequence: missense variant.
Genome position (GRCh38, 1-based): chr22:33,564,944, G>T on the plus strand (C>A on the coding strand, the complement: LARGE1 is on the minus strand). VCF-style: chr22-33564944-G-T. GRCh37 (hg19) VCF-style: chr22-33960930-G-T.
Other names: c.691C>A, p.Leu231Ile (NM_001362949.2, NM_001362951.2, NM_001362953.2 and 7 more transcripts); c.88C>A, p.Leu30Ile (NM_001378630.1, NM_001378631.1); short protein forms L231I, L30I.
Identifiers: ClinVar variation 2832248 (VCV002832248.3), dbSNP rs2518344351, ClinGen allele CA411545761.

ClinVar aggregate classification (germline): Uncertain significance (1 of 4 stars; one submission).

Conditions:
Muscular dystrophy-dystroglycanopathy type B6 (MDDGB6). Also called: MUSCULAR DYSTROPHY, CONGENITAL, LARGE-RELATED; MUSCULAR DYSTROPHY, CONGENITAL, TYPE 1D; MUSCULAR DYSTROPHY-DYSTROGLYCANOPATHY (CONGENITAL WITH IMPAIRED INTELLECTUAL DEVELOPMENT), TYPE B, 6. Identifiers: MedGen C1837229, MONDO:0012138, OMIM 608840.

Allele frequency attached by ClinVar (database versions not stated): gnomAD exomes below 0.00001.
gnomAD v4.1: 1 of 1,614,170 alleles (0.000062%); highest among the groups gnomAD compares: Non-Finnish European, 0.000085%; no homozygotes.

Submission:

Labcorp Genetics (formerly Invitae), Labcorp
Classification: Uncertain significance for Muscular dystrophy-dystroglycanopathy type B6. Last evaluated: 2023-03-08. Review status: criteria provided, single submitter. Criteria: Invitae Variant Classification Sherloc (09022015). Collection method: clinical testing. Allele origin: germline.
Comment: This sequence change replaces leucine, which is neutral and non-polar, with isoleucine, which is neutral and non-polar, at codon 231 of the LARGE1 protein (p.Leu231Ile). This variant is not present in population databases (gnomAD no frequency). This variant has not been reported in the literature in individuals affected with LARGE1-related conditions. Advanced modeling of protein sequence and biophysical properties (such as structural, functional, and spatial information, amino acid conservation, physicochemical variation, residue mobility, and thermodynamic stability) performed at Invitae indicates that this missense variant is not expected to disrupt LARGE1 protein function. In summary, the available evidence is currently insufficient to determine the role of this variant in disease. Therefore, it has been classified as a Variant of Uncertain Significance.